The following is an entry in ClinVar:

ClinVar aggregate classification (germline): Likely benign. Review status: criteria provided, multiple submitters, no conflicts (2 of 4 stars). 2 submissions from 2 submitters: Likely benign (2). Last evaluated 2026-02-01.

Conditions:
Kleefstra syndrome 1 (KLEFS1). Identifiers: Orphanet 261494, MedGen C0795833, MONDO:0027407, OMIM 610253.

Allele frequency attached by ClinVar (database versions not stated): ExAC 0.00001; gnomAD exomes 0.00007; 1000 Genomes Project 0.00020; TOPMed 0.00022; gnomAD 0.00029; 1000 Genomes Project 30x 0.00031.
gnomAD v4.1: 62 of 1,613,464 alleles (0.0038%); highest among the groups gnomAD compares: Admixed American, 0.1%; no homozygotes.

Submissions (2):

CeGaT Center for Human Genetics Tuebingen
Classification: Likely benign. Last evaluated: 2026-02-01. Review status: criteria provided, single submitter. Criteria: CeGaT Center For Human Genetics Tuebingen Variant Classification Criteria Version 2. Collection method: clinical testing. Allele origin: germline. Affected: yes. Observed: 2 variant alleles.
Comment: EHMT1: BP4, BS1

Labcorp Genetics (formerly Invitae), Labcorp
Classification: Likely benign for Kleefstra syndrome 1. Last evaluated: 2025-12-22. Review status: criteria provided, single submitter. Criteria: Invitae Variant Classification Sherloc (09022015). Collection method: clinical testing. Allele origin: germline.

NM_024757.5(EHMT1):c.2035C>G (p.Leu679Val)

Gene: EHMT1 (euchromatic histone lysine methyltransferase 1; plus strand). Cytogenetic location: 9q34.3.
Variant type: single nucleotide variant.
Coding change: c.2035C>G on transcript NM_024757.5 (MANE Select); coding-DNA position 2035, C replaced by G.
Protein change: p.Leu679Val; replaces leucine 679 with valine.
Molecular consequence: missense variant.
Genome position (GRCh38, 1-based): chr9:137,777,898, C>G. VCF-style: chr9-137777898-C-G. GRCh37 (hg19) VCF-style: chr9-140672350-C-G.
Other names: c.2035C>G, p.Leu679Val (NM_001145527.2); c.1942C>G, p.Leu648Val (NM_001354259.2); c.2014C>G, p.Leu672Val (NM_001354263.2); short protein forms L679V, L648V, L672V.
Identifiers: ClinVar variation 939162 (VCV000939162.15), dbSNP rs574272450, ClinGen allele CA5374803.